The following is an entry in ClinVar:

NM_000399.5(EGR2):c.379C>G (p.Pro127Ala)

Gene: EGR2 (early growth response 2; minus strand). Cytogenetic location: 10q21.3.
Variant type: single nucleotide variant.
Coding change: c.379C>G on transcript NM_000399.5 (MANE Select); coding-DNA position 379, C replaced by G.
Protein change: p.Pro127Ala; replaces proline 127 with alanine.
Molecular consequence: missense variant.
Genome position (GRCh38, 1-based): chr10:62,814,259, G>C on the plus strand (C>G on the coding strand, the complement: EGR2 is on the minus strand). VCF-style: chr10-62814259-G-C. GRCh37 (hg19) VCF-style: chr10-64574019-G-C.
Other names: c.379C>G, p.Pro127Ala (NM_001136177.3, NM_001136178.2); c.229C>G, p.Pro77Ala (NM_001136179.3, NM_001321037.2); short protein forms P127A, P77A.
Identifiers: ClinVar variation 937683 (VCV000937683.8), dbSNP rs1842205838, ClinGen allele CA377031001.

ClinVar aggregate classification (germline): Uncertain significance (1 of 4 stars; one submission).

Conditions:
Charcot-Marie-Tooth disease, type I (CMT1). Also called: Charcot-Marie-Tooth, Type 1; Charcot-Marie-Tooth disease type 1. Identifiers: Orphanet 65753, MedGen C0751036, MONDO:0019011.

Submission:

Labcorp Genetics (formerly Invitae), Labcorp
Classification: Uncertain significance for Charcot-Marie-Tooth disease, type I. Last evaluated: 2019-05-30. Review status: criteria provided, single submitter. Criteria: Invitae Variant Classification Sherloc (09022015). Collection method: clinical testing. Allele origin: germline.
Comment: In summary, the available evidence is currently insufficient to determine the role of this variant in disease. Therefore, it has been classified as a Variant of Uncertain Significance. Algorithms developed to predict the effect of missense changes on protein structure and function are either unavailable or do not agree on the potential impact of this missense change (SIFT: "Tolerated"; PolyPhen-2: "Probably Damaging"; Align-GVGD: "Class C0"). This variant has not been reported in the literature in individuals with EGR2-related conditions. This variant is not present in population databases (ExAC no frequency). This sequence change replaces proline with alanine at codon 127 of the EGR2 protein (p.Pro127Ala). The proline residue is moderately conserved and there is a small physicochemical difference between proline and alanine.